The following is an entry in ClinVar:

ClinVar aggregate classification (germline): Uncertain significance (1 of 4 stars; one submission).

Conditions:
Inborn genetic diseases. Identifiers: MedGen C0950123, MeSH D030342.

gnomAD v4.1: 4 of 1,426,924 alleles (0.00028%); highest among the groups gnomAD compares: African/African-American, 0.003%; no homozygotes.

Submission:

Ambry Genetics
Classification: Uncertain significance for Inborn genetic diseases. Last evaluated: 2025-04-08. Review status: criteria provided, single submitter. Criteria: Ambry Variant Classification Scheme 2023. Collection method: clinical testing. Allele origin: germline.
Comment: The p.R225C variant (also known as c.673C>T), located in coding exon 1 of the SH2B3 gene, results from a C to T substitution at nucleotide position 673. The arginine at codon 225 is replaced by cysteine, an amino acid with highly dissimilar properties. This amino acid position is conserved. In addition, this alteration is predicted to be tolerated by in silico analysis. Based on the available evidence, the clinical significance of this variant remains unclear.

NM_005475.3(SH2B3):c.673C>T (p.Arg225Cys)

Gene: SH2B3 (SH2B adaptor protein 3; plus strand). Cytogenetic location: 12q24.12.
Variant type: single nucleotide variant.
Coding change: c.673C>T on transcript NM_005475.3 (MANE Select); coding-DNA position 673, C replaced by T.
Protein change: p.Arg225Cys; replaces arginine 225 with cysteine.
Molecular consequence: missense variant.
Genome position (GRCh38, 1-based): chr12:111,418,818, C>T. VCF-style: chr12-111418818-C-T. GRCh37 (hg19) VCF-style: chr12-111856622-C-T.
Other names: short protein forms R225C.
Identifiers: ClinVar variation 3953433 (VCV003953433.1).
Genomic context (GRCh38, chr12:111,418,818, plus strand): 5'-CTGGCCGACGAGGCCTCCATGGACAGCGGGGCACGCTGGCAGCGCGGGAGGCTGGCGCTG[C>T]GCCGGGCCCCGGGCCCCGATGGCCCCGACCGCGTGCTGGAGCTCTTCGACCCACCCAAGG-3'
Protein context (NP_005466.1, residues 215-235): ARWQRGRLAL[Arg225Cys]RAPGPDGPDR